The following is an entry in ClinVar:

ClinVar aggregate classification (germline): Uncertain significance. Review status: criteria provided, multiple submitters, no conflicts (2 of 4 stars). 4 submissions from 4 submitters: Uncertain significance (4). Last evaluated 2025-08-07.

Conditions:
Inborn genetic diseases. Identifiers: MedGen C0950123, MeSH D030342.
Fanconi anemia (FA). Also called: Fanconi's anemia. Identifiers: Orphanet 84, MedGen C0015625, MeSH D005199, MONDO:0019391.
Fanconi anemia complementation group P. Also called: SLX4-Related Fanconi Anemia. Identifiers: Orphanet 84, MedGen C3469542, MONDO:0013499, OMIM 613951.

Allele frequency attached by ClinVar (database versions not stated): gnomAD exomes 0.00001 and 0.00002; ExAC 0.00002; gnomAD 0.00006 and 0.00009; TOPMed 0.00012.
gnomAD v4.1: 23 of 1,614,266 alleles (0.0014%); highest among the groups gnomAD compares: African/African-American, 0.024%; no homozygotes.

Submissions (4):

Ambry Genetics
Classification: Uncertain significance for Inborn genetic diseases. Last evaluated: 2025-08-07. Review status: criteria provided, single submitter. Criteria: Ambry Variant Classification Scheme 2023. Collection method: clinical testing. Allele origin: germline.

Labcorp Genetics (formerly Invitae), Labcorp
Classification: Uncertain significance for Fanconi anemia. Last evaluated: 2024-12-16. Review status: criteria provided, single submitter. Criteria: Invitae Variant Classification Sherloc (09022015). Collection method: clinical testing. Allele origin: germline.
Comment: This sequence change replaces isoleucine, which is neutral and non-polar, with methionine, which is neutral and non-polar, at codon 86 of the SLX4 protein (p.Ile86Met). This variant is present in population databases (rs112205823, gnomAD 0.03%). This variant has not been reported in the literature in individuals affected with SLX4-related conditions. ClinVar contains an entry for this variant (Variation ID: 1503473). An algorithm developed to predict the effect of missense changes on protein structure and function (PolyPhen-2) suggests that this variant is likely to be tolerated. In summary, the available evidence is currently insufficient to determine the role of this variant in disease. Therefore, it has been classified as a Variant of Uncertain Significance.

Fulgent Genetics
Classification: Uncertain significance for Fanconi anemia complementation group P. Last evaluated: 2024-03-02. Review status: criteria provided, single submitter. Criteria: ACMG Guidelines, 2015. Collection method: clinical testing. Allele origin: germline.

Breakthrough Genomics
Classification: Uncertain significance. Review status: criteria provided, single submitter. Criteria: ACMG Guidelines, 2015. Collection method: not provided. Allele origin: germline. Inheritance: Autosomal recessive inheritance. Affected: yes.

NM_032444.4(SLX4):c.258A>G (p.Ile86Met)

Gene: SLX4 (SLX4 structure-specific endonuclease subunit; minus strand). Cytogenetic location: 16p13.3.
Variant type: single nucleotide variant.
Coding change: c.258A>G on transcript NM_032444.4 (MANE Select); coding-DNA position 258, A replaced by G.
Protein change: p.Ile86Met; replaces isoleucine 86 with methionine.
Molecular consequence: missense variant.
Genome position (GRCh38, 1-based): chr16:3,608,707, T>C on the plus strand (A>G on the coding strand, the complement: SLX4 is on the minus strand). VCF-style: chr16-3608707-T-C. GRCh37 (hg19) VCF-style: chr16-3658708-T-C.
Other names: c.258A>G (NM_032444.2); short protein forms I86M.
Identifiers: ClinVar variation 1503473 (VCV001503473.12), dbSNP rs112205823, ClinGen allele CA7866915.